The following is an entry in ClinVar:

NM_001211.6(BUB1B):c.2876T>C (p.Leu959Ser)

Genes: BUB1B (BUB1 mitotic checkpoint serine/threonine kinase B; plus strand), BUB1B-PAK6 (BUB1B-PAK6 readthrough; plus strand). Cytogenetic location: 15q15.1.
Variant type: single nucleotide variant.
Coding change: c.2876T>C on transcript NM_001211.6 (MANE Select); coding-DNA position 2876, T replaced by C.
Protein change: p.Leu959Ser; replaces leucine 959 with serine.
Molecular consequence: missense variant. On other transcripts: intron variant (2).
Genome position (GRCh38, 1-based): chr15:40,218,481, T>C. VCF-style: chr15-40218481-T-C. GRCh37 (hg19) VCF-style: chr15-40510682-T-C.
Other names: c.-201+814T>C (NM_001128628.3); c.-118+814T>C (NM_001128629.3); short protein forms L959S.
Identifiers: ClinVar variation 3221409 (VCV003221409.1), dbSNP rs2140912326, ClinGen allele CA391688229.

ClinVar aggregate classification (germline): Uncertain significance (1 of 4 stars; one submission).

Conditions:
Inborn genetic diseases. Identifiers: MedGen C0950123, MeSH D030342.

Submission:

Ambry Genetics
Classification: Uncertain significance for Inborn genetic diseases. Last evaluated: 2024-02-25. Review status: criteria provided, single submitter. Criteria: Ambry Variant Classification Scheme 2023. Collection method: clinical testing. Allele origin: germline.
Comment: The p.L959S variant (also known as c.2876T>C), located in coding exon 22 of the BUB1B gene, results from a T to C substitution at nucleotide position 2876. The leucine at codon 959 is replaced by serine, an amino acid with dissimilar properties. This amino acid position is conserved. In addition, the in silico prediction for this alteration is inconclusive. Based on the available evidence, the clinical significance of this alteration remains unclear.